The following is an entry in ClinVar:

NM_007294.4(BRCA1):c.601G>A (p.Asp201Asn)

Gene: BRCA1 (BRCA1 DNA repair associated; minus strand). Cytogenetic location: 17q21.31.
Variant type: single nucleotide variant.
Coding change: c.601G>A on transcript NM_007294.4 (MANE Select); coding-DNA position 601, G replaced by A.
Protein change: p.Asp201Asn; replaces aspartic acid 201 with asparagine.
Molecular consequence: missense variant. On other transcripts: non-coding transcript variant (1).
Genome position (GRCh38, 1-based): chr17:43,095,915, C>T on the plus strand (G>A on the coding strand, the complement: BRCA1 is on the minus strand). VCF-style: chr17-43095915-C-T. GRCh37 (hg19) VCF-style: chr17-41247932-C-T.
Other names: c.388G>A, p.Asp130Asn (NM_001407571.1, NM_001407853.1, NM_001407894.1 and 12 more transcripts); c.601G>A, p.Asp201Asn (NM_001407581.1, NM_001407582.1, NM_001407583.1 and 59 more transcripts); c.598G>A, p.Asp200Asn (NM_001407587.1, NM_001407590.1, NM_001407591.1 and 41 more transcripts); c.592G>A, p.Asp198Asn (NM_001407646.1, NM_001407647.1, NM_001408408.1); c.523G>A, p.Asp175Asn (NM_001407653.1, NM_001407654.1, NM_001407655.1 and 9 more transcripts); c.520G>A, p.Asp174Asn (NM_001407659.1, NM_001407660.1, NM_001407661.1 and 3 more transcripts); c.460G>A, p.Asp154Asn (NM_001407692.1, NM_001407694.1, NM_001407695.1 and 43 more transcripts); c.457G>A, p.Asp153Asn (NM_001407740.1, NM_001407741.1, NM_001407742.1 and 26 more transcripts); and 4 more; short protein forms D201N, D154N, D156N, D174N, D200N, D153N, D74N, D130N.
Identifiers: ClinVar variation 55645 (VCV000055645.7), dbSNP rs80357109, ClinGen allele CA003757.

ClinVar aggregate classification (germline): Uncertain significance. Review status: criteria provided, multiple submitters, no conflicts (2 of 4 stars). 3 submissions from 3 submitters: Uncertain significance (2). 1 of the submissions does not count toward it. Last evaluated 2024-06-19.

Conditions:
Breast-ovarian cancer, familial, susceptibility to, 1 (BROVCA1). Also called: BRCA1 Hereditary Breast and Ovarian Cancer; OVARIAN CANCER, SUSCEPTIBILITY TO. Identifiers: Orphanet 145, MedGen C2676676, MONDO:0011450, OMIM 604370. Disease mechanism: loss of function.
Hereditary cancer-predisposing syndrome. Also called: Hereditary Cancer Syndrome; Hereditary neoplastic syndrome; Neoplastic Syndromes, Hereditary; Tumor predisposition. Identifiers: Orphanet 140162, MedGen C0027672, MeSH D009386, MONDO:0015356.
Hereditary breast ovarian cancer syndrome. Also called: BRCA1- and BRCA2-Associated Hereditary Breast and Ovarian Cancer; Hereditary breast and ovarian cancer syndrome; Hereditary breast and ovarian cancer syndrome (HBOC); Breast and ovarian cancer; Hereditary breast and/or ovarian cancer syndrome; Hereditary breast and ovarian cancer. Identifiers: Orphanet 145, MedGen C0677776, MeSH D061325, MONDO:0003582. Disease mechanism: loss of function.

Submissions (3):

Labcorp Genetics (formerly Invitae), Labcorp
Classification: Uncertain significance for Hereditary breast ovarian cancer syndrome. Last evaluated: 2024-06-19. Review status: criteria provided, single submitter. Criteria: Invitae Variant Classification Sherloc (09022015). Collection method: clinical testing. Allele origin: germline.
Comment: This sequence change replaces aspartic acid, which is acidic and polar, with asparagine, which is neutral and polar, at codon 201 of the BRCA1 protein (p.Asp201Asn). This variant is not present in population databases (gnomAD no frequency). This variant has not been reported in the literature in individuals affected with BRCA1-related conditions. ClinVar contains an entry for this variant (Variation ID: 55645). Advanced modeling of protein sequence and biophysical properties (such as structural, functional, and spatial information, amino acid conservation, physicochemical variation, residue mobility, and thermodynamic stability) performed at Invitae indicates that this missense variant is not expected to disrupt BRCA1 protein function with a negative predictive value of 95%. In summary, the available evidence is currently insufficient to determine the role of this variant in disease. Therefore, it has been classified as a Variant of Uncertain Significance.

Ambry Genetics
Classification: Uncertain significance for Hereditary cancer-predisposing syndrome. Last evaluated: 2022-12-07. Review status: criteria provided, single submitter. Criteria: Ambry Variant Classification Scheme 2023. Collection method: clinical testing. Allele origin: germline.
Comment: The p.D201N variant (also known as c.601G>A), located in coding exon 8 of the BRCA1 gene, results from a G to A substitution at nucleotide position 601. The aspartic acid at codon 201 is replaced by asparagine, an amino acid with highly similar properties. This amino acid position is well conserved in available vertebrate species. In addition, the in silico prediction for this alteration is inconclusive. Since supporting evidence is limited at this time, the clinical significance of this alteration remains unclear.

Breast Cancer Information Core (BIC) (BRCA1)
Classification: Uncertain significance for Breast-ovarian cancer, familial 1. Last evaluated: 2004-11-25. Review status: no assertion criteria provided. Collection method: clinical testing. Allele origin: germline. Affected: yes. Observed: 1 variant allele. Not counted in ClinVar's aggregate classification.